The following is an entry in ClinVar:

NM_001145809.2(MYH14):c.5284C>T (p.Arg1762Trp)

Gene: MYH14 (myosin heavy chain 14; plus strand). Cytogenetic location: 19q13.33.
Variant type: single nucleotide variant.
Coding change: c.5284C>T on transcript NM_001145809.2 (MANE Select); coding-DNA position 5284, C replaced by T.
Protein change: p.Arg1762Trp; replaces arginine 1762 with tryptophan.
Molecular consequence: missense variant.
Genome position (GRCh38, 1-based): chr19:50,293,260, C>T. VCF-style: chr19-50293260-C-T. GRCh37 (hg19) VCF-style: chr19-50796517-C-T.
Other names: c.5185C>T, p.Arg1729Trp (NM_001077186.2); c.5161C>T, p.Arg1721Trp (NM_024729.4); short protein forms R1729W, R1721W, R1762W.
Identifiers: ClinVar variation 894377 (VCV000894377.19), dbSNP rs746211693, ClinGen allele CA9593749.

ClinVar aggregate classification (germline): Uncertain significance. Review status: criteria provided, multiple submitters, no conflicts (2 of 4 stars). 4 submissions from 4 submitters: Uncertain significance (4). Last evaluated 2025-12-09.

Conditions:
Inborn genetic diseases. Identifiers: MedGen C0950123, MeSH D030342.
Autosomal dominant nonsyndromic hearing loss 4A. Also called: Deafness, autosomal dominant 4A. Identifiers: Orphanet 90635, MedGen C1833503, MONDO:0010915, OMIM 600652.

Allele frequency attached by ClinVar (database versions not stated): gnomAD 0.00002; TOPMed 0.00003; gnomAD exomes 0.00005 and 0.00008; ExAC 0.00009.
gnomAD v4.1: 109 of 1,609,112 alleles (0.0068%); highest among the groups gnomAD compares: Middle Eastern, 0.016%; no homozygotes.

Submissions (4):

Ambry Genetics
Classification: Uncertain significance for Inborn genetic diseases. Last evaluated: 2025-12-09. Review status: criteria provided, single submitter. Criteria: Ambry Variant Classification Scheme 2023. Collection method: clinical testing. Allele origin: germline.

Labcorp Genetics (formerly Invitae), Labcorp
Classification: Uncertain significance. Last evaluated: 2025-11-18. Review status: criteria provided, single submitter. Criteria: Invitae Variant Classification Sherloc (09022015). Collection method: clinical testing. Allele origin: germline.
Comment: This sequence change replaces arginine, which is basic and polar, with tryptophan, which is neutral and slightly polar, at codon 1721 of the MYH14 protein (p.Arg1721Trp). This variant is present in population databases (rs746211693, gnomAD 0.009%). This variant has not been reported in the literature in individuals affected with MYH14-related conditions. ClinVar contains an entry for this variant (Variation ID: 894377). Invitae Evidence Modeling of protein sequence and biophysical properties (such as structural, functional, and spatial information, amino acid conservation, physicochemical variation, residue mobility, and thermodynamic stability) indicates that this missense variant is expected to disrupt MYH14 protein function with a positive predictive value of 80%. In summary, the available evidence is currently insufficient to determine the role of this variant in disease. Therefore, it has been classified as a Variant of Uncertain Significance.

CeGaT Center for Human Genetics Tuebingen
Classification: Uncertain significance. Last evaluated: 2025-02-01. Review status: criteria provided, single submitter. Criteria: CeGaT Center For Human Genetics Tuebingen Variant Classification Criteria Version 2. Collection method: clinical testing. Allele origin: germline. Affected: yes. Observed: 1 variant allele.

Illumina Laboratory Services, Illumina
Classification: Uncertain significance for Autosomal dominant nonsyndromic hearing loss 4A. Last evaluated: 2018-01-13. Review status: criteria provided, single submitter. Criteria: ICSL Variant Classification Criteria 13 December 2019. Collection method: clinical testing. Allele origin: germline.